The following is an entry in ClinVar:

NM_001848.3(COL6A1):c.2667G>A (p.Ala889=)

Gene: COL6A1 (collagen type VI alpha 1 chain; plus strand). Cytogenetic location: 21q22.3.
Variant type: single nucleotide variant.
Coding change: c.2667G>A on transcript NM_001848.3 (MANE Select); coding-DNA position 2667, G replaced by A.
Protein change: p.Ala889=; no amino-acid change (alanine 889 retained).
Molecular consequence: synonymous variant.
Genome position (GRCh38, 1-based): chr21:46,003,593, G>A. VCF-style: chr21-46003593-G-A. GRCh37 (hg19) VCF-style: chr21-47423507-G-A.
Other names: p.Ala889=.
Identifiers: ClinVar variation 93864 (VCV000093864.35), dbSNP rs1053315, ClinGen allele CA147383.

ClinVar aggregate classification (germline): Benign/Likely benign. Review status: criteria provided, multiple submitters, no conflicts (2 of 4 stars). 15 submissions from 14 submitters: Benign (10); Likely benign (1). 4 of the submissions do not count toward it. Last evaluated 2026-02-03.

Conditions:
Ullrich congenital muscular dystrophy 1A. Also called: Intermediate COL6-RD; Ullrich congenital muscular dystrophy 1. Identifiers: Orphanet 75840, MedGen C0410179, MONDO:0009681, OMIM 254090.
Collagen 6-related myopathy. Identifiers: MedGen CN117976, MONDO:0100225.
Bethlem myopathy 1A. Also called: Bethlem Muscular Dystrophy; MYOPATHY, BENIGN CONGENITAL, WITH CONTRACTURES; Bethlem myopathy 1. Identifiers: Orphanet 610, MedGen CN029274, MONDO:0024530, OMIM 158810.

Allele frequency attached by ClinVar (database versions not stated): 1000 Genomes Project 0.26817; 1000 Genomes Project 30x 0.27233; gnomAD exomes 0.28202 and 0.30228; ExAC 0.28593; gnomAD 0.32026 and 0.32659; TOPMed 0.32671; ESP Exome Variant Server 0.33726.
gnomAD v4.1: 488,821 of 1,612,626 alleles (30%); highest among the groups gnomAD compares: African/African-American, 40%; 75,792 homozygotes.

Submissions (15):

Labcorp Genetics (formerly Invitae), Labcorp
Classification: Benign for Bethlem myopathy 1A. Last evaluated: 2026-02-03. Review status: criteria provided, single submitter. Criteria: Invitae Variant Classification Sherloc (09022015). Collection method: clinical testing. Allele origin: germline.

Blueprint Genetics
Classification: Likely benign. Last evaluated: 2024-11-28. Review status: criteria provided, single submitter. Criteria: ACMG Guidelines, 2015. Collection method: clinical testing. Allele origin: germline.

Genome-Nilou Lab
Classification: Benign for Bethlem myopathy 1A. Last evaluated: 2021-07-30. Review status: criteria provided, single submitter. Criteria: ACMG Guidelines, 2015. Collection method: clinical testing. Allele origin: germline. Affected: no.

Genome-Nilou Lab
Classification: Benign for Ullrich congenital muscular dystrophy 1A. Last evaluated: 2021-07-30. Review status: criteria provided, single submitter. Criteria: ACMG Guidelines, 2015. Collection method: clinical testing. Allele origin: germline. Affected: no.

Athena Diagnostics
Classification: Benign. Last evaluated: 2021-06-04. Review status: criteria provided, single submitter. Criteria: Athena Diagnostics Criteria. Collection method: clinical testing. Allele origin: unknown.

Illumina Laboratory Services, Illumina
Classification: Benign for Collagen VI-related myopathy. Last evaluated: 2018-01-13. Review status: criteria provided, single submitter. Criteria: ICSL Variant Classification Criteria 13 December 2019. Collection method: clinical testing. Allele origin: germline.
Comment: This variant was observed in the ICSL laboratory as part of a predisposition screen in an ostensibly healthy population. It had not been previously curated by ICSL or reported in the Human Gene Mutation Database (HGMD: prior to June 1st, 2018), and was therefore a candidate for classification through an automated scoring system. Utilizing variant allele frequency, disease prevalence and penetrance estimates, and inheritance mode, an automated score was calculated to assess if this variant is too frequent to cause the disease. Based on the score and internal cut-off values, a variant classified as benign is not then subjected to further curation. The score for this variant resulted in a classification of benign for this disease.

Mayo Clinic Laboratories, Mayo Clinic
Classification: Benign. Last evaluated: 2017-07-24. Review status: criteria provided, single submitter. Criteria: ACMG Guidelines, 2015. Collection method: clinical testing. Allele origin: germline. Observed: 375 variant alleles.

GeneDx
Classification: Benign. Last evaluated: 2016-01-22. Review status: criteria provided, single submitter. Criteria: GeneDx Variant Classification (06012015). Collection method: clinical testing. Allele origin: germline. Affected: yes.
Comment: This variant is considered likely benign or benign based on one or more of the following criteria: it is a conservative change, it occurs at a poorly conserved position in the protein, it is predicted to be benign by multiple in silico algorithms, and/or has population frequency not consistent with disease.

Eurofins Ntd Llc (ga)
Classification: Benign. Last evaluated: 2012-08-23. Review status: criteria provided, single submitter. Criteria: EGL Classification Definitions 2015. Collection method: clinical testing. Allele origin: germline. Observed: 58 variant alleles, 48 heterozygotes, 10 homozygotes.

Breakthrough Genomics
Classification: Benign. Review status: criteria provided, single submitter. Criteria: ACMG Guidelines, 2015. Collection method: not provided. Allele origin: germline. Inheritance: Autosomal recessive inheritance. Affected: yes.

PreventionGenetics, part of Exact Sciences
Classification: Benign. Review status: criteria provided, single submitter. Criteria: ACMG Guidelines, 2015. Collection method: clinical testing. Allele origin: germline.

Clinical Genetics, Academic Medical Center
Classification: Benign. Review status: no assertion criteria provided. Collection method: clinical testing. Allele origin: germline. Affected: yes. Study: VKGL Data-share Consensus. Not counted in ClinVar's aggregate classification.

Diagnostic Laboratory, Department of Genetics, University Medical Center Groningen
Classification: Benign. Review status: no assertion criteria provided. Collection method: clinical testing. Allele origin: germline. Affected: yes. Study: VKGL Data-share Consensus. Not counted in ClinVar's aggregate classification.

Genetic Services Laboratory, University of Chicago
Classification: Likely benign for AllHighlyPenetrant. Review status: no assertion criteria provided. Collection method: clinical testing. Allele origin: germline. Not counted in ClinVar's aggregate classification.
Comment: Likely benign based on allele frequency in 1000 Genomes Project or ESP global frequency and its presence in a patient with a rare or unrelated disease phenotype. NOT Sanger confirmed.

Joint Genome Diagnostic Labs from Nijmegen and Maastricht, Radboudumc and MUMC+
Classification: Benign. Review status: no assertion criteria provided. Collection method: clinical testing. Allele origin: germline. Affected: yes. Study: VKGL Data-share Consensus. Not counted in ClinVar's aggregate classification.